The following is an entry in ClinVar:

NM_006031.6(PCNT):c.1220A>T (p.Asn407Ile)

Gene: PCNT (pericentrin; plus strand). Cytogenetic location: 21q22.3.
Variant type: single nucleotide variant.
Coding change: c.1220A>T on transcript NM_006031.6 (MANE Select); coding-DNA position 1220, A replaced by T.
Protein change: p.Asn407Ile; replaces asparagine 407 with isoleucine.
Molecular consequence: missense variant.
Genome position (GRCh38, 1-based): chr21:46,349,696, A>T. VCF-style: chr21-46349696-A-T. GRCh37 (hg19) VCF-style: chr21-47769610-A-T.
Other names: c.866A>T, p.Asn289Ile (NM_001315529.2); short protein forms N407I, N289I.
Identifiers: ClinVar variation 436177 (VCV000436177.11), dbSNP rs745322520, ClinGen allele CA10078558.
Genomic context (GRCh38, chr21:46,349,696, plus strand): 5'-AGGAGAGTGATGTCTTGTAAACCAAGTGCCATTGCTTTACCTTTCTAGGGGCCCTTAGGA[A>T]CCTGGAGAGTCATCATCAAGCAGCCATTGAGAAGTTACGTGAAGACCTGCAGTCCGAGCA-3'
Protein context (NP_006022.3, residues 397-417): DKNQAERALR[Asn407Ile]LESHHQAAIE

ClinVar aggregate classification (germline): Uncertain significance. Review status: criteria provided, multiple submitters, no conflicts (2 of 4 stars). 4 submissions from 4 submitters: Uncertain significance (4). Last evaluated 2026-06-19.

Conditions:
PCNT-related disorder. Also called: PCNT-related condition.
Inborn genetic diseases. Identifiers: MedGen C0950123, MeSH D030342.

Allele frequency attached by ClinVar (database versions not stated): gnomAD 0.00001; ExAC 0.00002; TOPMed 0.00002.
gnomAD v4.1: 35 of 1,613,930 alleles (0.0022%); highest among the groups gnomAD compares: Admixed American, 0.0033%; no homozygotes.

Submissions (4):

PreventionGenetics, part of Exact Sciences
Classification: Uncertain significance for PCNT-related condition. Last evaluated: 2026-06-19. Review status: criteria provided, single submitter. Criteria: ACMG Guidelines, 2015. Collection method: clinical testing. Allele origin: germline.
Comment: The PCNT c.1220A>T variant is predicted to result in the amino acid substitution p.Asn407Ile. To our knowledge, this variant has not been reported in the literature. This variant is reported in 0.0058% of alleles in individuals of Latino descent in gnomAD. At this time, the clinical significance of this variant is uncertain due to the absence of conclusive functional and genetic evidence.

Labcorp Genetics (formerly Invitae), Labcorp
Classification: Uncertain significance. Last evaluated: 2022-07-12. Review status: criteria provided, single submitter. Criteria: Invitae Variant Classification Sherloc (09022015). Collection method: clinical testing. Allele origin: germline.
Comment: This sequence change replaces asparagine, which is neutral and polar, with isoleucine, which is neutral and non-polar, at codon 407 of the PCNT protein (p.Asn407Ile). This variant is present in population databases (rs745322520, gnomAD 0.006%). This variant has not been reported in the literature in individuals affected with PCNT-related conditions. ClinVar contains an entry for this variant (Variation ID: 436177). Algorithms developed to predict the effect of missense changes on protein structure and function (SIFT, PolyPhen-2, Align-GVGD) all suggest that this variant is likely to be tolerated. In summary, the available evidence is currently insufficient to determine the role of this variant in disease. Therefore, it has been classified as a Variant of Uncertain Significance.

Ambry Genetics
Classification: Uncertain significance for Inborn genetic diseases. Last evaluated: 2021-06-18. Review status: criteria provided, single submitter. Criteria: Ambry Variant Classification Scheme 2023. Collection method: clinical testing. Allele origin: germline.

Genetic Services Laboratory, University of Chicago
Classification: Uncertain significance. Last evaluated: 2016-12-16. Review status: criteria provided, single submitter. Criteria: ACMG Guidelines, 2015. Collection method: clinical testing. Allele origin: germline. Affected: no.